The following is an entry in ClinVar:

ClinVar aggregate classification (germline): Uncertain significance (1 of 4 stars; one submission).

gnomAD v4.1: 44 of 1,208,418 alleles (0.0036%); highest among the groups gnomAD compares: Non-Finnish European, 0.0047%; no homozygotes.

Submission:

Labcorp Genetics (formerly Invitae), Labcorp
Classification: Uncertain significance. Last evaluated: 2023-10-16. Review status: criteria provided, single submitter. Criteria: Invitae Variant Classification Sherloc (09022015). Collection method: clinical testing. Allele origin: germline.
Comment: This sequence change replaces asparagine, which is neutral and polar, with isoleucine, which is neutral and non-polar, at codon 531 of the MSN protein (p.Asn531Ile). This variant is present in population databases (rs772615370, gnomAD 0.001%). This variant has not been reported in the literature in individuals affected with MSN-related conditions. An algorithm developed to predict the effect of missense changes on protein structure and function (PolyPhen-2) suggests that this variant is likely to be tolerated. In summary, the available evidence is currently insufficient to determine the role of this variant in disease. Therefore, it has been classified as a Variant of Uncertain Significance.

NM_002444.3(MSN):c.1592A>T (p.Asn531Ile)

Gene: MSN (moesin; plus strand). Cytogenetic location: Xq12.
Variant type: single nucleotide variant.
Coding change: c.1592A>T on transcript NM_002444.3 (MANE Select); coding-DNA position 1592, A replaced by T.
Protein change: p.Asn531Ile; replaces asparagine 531 with isoleucine.
Molecular consequence: missense variant.
Genome position (GRCh38, 1-based): chrX:65,739,751, A>T. VCF-style: chrX-65739751-A-T. GRCh37 (hg19) VCF-style: chrX-64959613-A-T.
Other names: short protein forms N531I.
Identifiers: ClinVar variation 2969543 (VCV002969543.3), dbSNP rs772615370, ClinGen allele CA10434701.